The following is an entry in ClinVar:

ClinVar aggregate classification (germline): Uncertain significance. Review status: criteria provided, multiple submitters, no conflicts (2 of 4 stars). 2 submissions from 2 submitters: Uncertain significance (2). Last evaluated 2024-03-11.

Conditions:
Xanthinuria type II. Also called: Xanthine dehydrogenase and aldehyde oxidase combined deficiency of; XDH and AOX dual deficiency. Identifiers: Orphanet 3467, Orphanet 93602, MedGen C1863688, MONDO:0011346, OMIM 603592.
Hereditary xanthinuria type 1 (XAN1). Identifiers: Orphanet 3467, Orphanet 93601, MedGen C0268118, MONDO:0010209, OMIM 278300.

Allele frequency attached by ClinVar (database versions not stated): TOPMed 0.00001; ExAC 0.00008; gnomAD 0.00011 and 0.00012; gnomAD exomes 0.00014.
gnomAD v4.1: 93 of 1,614,024 alleles (0.0058%); highest among the groups gnomAD compares: Admixed American, 0.012%; no homozygotes.

Submissions (2):

Labcorp Genetics (formerly Invitae), Labcorp
Classification: Uncertain significance for Xanthinuria type II. Last evaluated: 2024-03-11. Review status: criteria provided, single submitter. Criteria: Invitae Variant Classification Sherloc (09022015). Collection method: clinical testing. Allele origin: germline.
Comment: This sequence change replaces alanine, which is neutral and non-polar, with threonine, which is neutral and polar, at codon 638 of the XDH protein (p.Ala638Thr). This variant is present in population databases (rs202112369, gnomAD 0.1%). This variant has not been reported in the literature in individuals affected with XDH-related conditions. ClinVar contains an entry for this variant (Variation ID: 1372365). An algorithm developed to predict the effect of missense changes on protein structure and function (PolyPhen-2) suggests that this variant is likely to be disruptive. In summary, the available evidence is currently insufficient to determine the role of this variant in disease. Therefore, it has been classified as a Variant of Uncertain Significance.

Fulgent Genetics
Classification: Uncertain significance for Hereditary xanthinuria type 1. Last evaluated: 2022-03-24. Review status: criteria provided, single submitter. Criteria: ACMG Guidelines, 2015. Collection method: clinical testing. Allele origin: unknown.

NM_000379.4(XDH):c.1912G>A (p.Ala638Thr)

Gene: XDH (xanthine dehydrogenase; minus strand). Cytogenetic location: 2p23.1.
Variant type: single nucleotide variant.
Coding change: c.1912G>A on transcript NM_000379.4 (MANE Select); coding-DNA position 1912, G replaced by A.
Protein change: p.Ala638Thr; replaces alanine 638 with threonine.
Molecular consequence: missense variant.
Genome position (GRCh38, 1-based): chr2:31,370,423, C>T on the plus strand (G>A on the coding strand, the complement: XDH is on the minus strand). VCF-style: chr2-31370423-C-T. GRCh37 (hg19) VCF-style: chr2-31593289-C-T.
Other names: short protein forms A638T.
Identifiers: ClinVar variation 1372365 (VCV001372365.7), dbSNP rs202112369, ClinGen allele CA1599036.
Genomic context (GRCh38, chr2:31,370,423, plus strand): 5'-TCGCAAAGACTGTCTCATCATTACAAATTCCAGTTATGTTACTCCCAGGAACATCATCAG[C>T]GGAAATGAAACAAACAAACCCTGGAACCTTCTTAGCTTCTGATGTATCTATGGACCTGCA-3'
Protein context (NP_000370.2, residues 628-648): KVPGFVCFIS[Ala638Thr]DDVPGSNITG